The following is an entry in ClinVar:

NM_003108.4(SOX11):c.753G>T (p.Pro251=)

Gene: SOX11 (SRY-box transcription factor 11; plus strand). Cytogenetic location: 2p25.2.
Variant type: single nucleotide variant.
Coding change: c.753G>T on transcript NM_003108.4 (MANE Select); coding-DNA position 753, G replaced by T.
Protein change: p.Pro251=; no amino-acid change (proline 251 retained).
Molecular consequence: synonymous variant.
Genome position (GRCh38, 1-based): chr2:5,693,474, G>T. VCF-style: chr2-5693474-G-T. GRCh37 (hg19) VCF-style: chr2-5833606-G-T.
Identifiers: ClinVar variation 4698510 (VCV004698510.1).
Genomic context (GRCh38, chr2:5,693,474, plus strand): 5'-CGACGACGAGCTGCAGCTGCAGATCAAACAGGAGCCGGACGAGGAGGACGAGGAACCACC[G>T]CACCAGCAGCTCCTGCAGCCGCCGGGGCAGCAGCCGTCGCAGCTGCTGAGACGCTACAAC-3'
Protein context (NP_003099.1, residues 241-261): QEPDEEDEEP[Pro251=]HQQLLQPPGQ

ClinVar aggregate classification (germline): Uncertain significance (1 of 4 stars; one submission).

gnomAD v4.1: 6 of 1,586,806 alleles (0.00038%); highest among the groups gnomAD compares: South Asian, 0.0034%; no homozygotes.

Submission:

Labcorp Genetics (formerly Invitae), Labcorp
Classification: Uncertain significance. Last evaluated: 2025-12-19. Review status: criteria provided, single submitter. Criteria: Invitae Variant Classification Sherloc (09022015). Collection method: clinical testing. Allele origin: germline.
Comment: This sequence change affects codon 251 of the SOX11 mRNA. It is a 'silent' change, meaning that it does not change the encoded amino acid sequence of the SOX11 protein. This variant is not present in population databases (gnomAD no frequency). This variant has not been reported in the literature in individuals affected with SOX11-related conditions. Experimental studies and prediction algorithms are not available or were not evaluated, and the effect of this variant on mRNA splicing is currently unknown. In summary, the available evidence is currently insufficient to determine the role of this variant in disease. Therefore, it has been classified as a Variant of Uncertain Significance.